The following is an entry in ClinVar:

ClinVar aggregate classification (germline): Uncertain significance. Review status: criteria provided, multiple submitters, no conflicts (2 of 4 stars). 2 submissions from 2 submitters: Uncertain significance (2). Last evaluated 2024-11-27.

Conditions:
Autosomal recessive limb-girdle muscular dystrophy type 2K. Also called: MUSCULAR DYSTROPHY-DYSTROGLYCANOPATHY (LIMB-GIRDLE), TYPE C, 1; MUSCULAR DYSTROPHY, LIMB-GIRDLE, TYPE 2K. Identifiers: Orphanet 86812, MedGen C1836373, MONDO:0012248, OMIM 609308.
Walker-Warburg congenital muscular dystrophy. Also called: Muscular dystrophy-dystroglycanopathy, type A; Walker-Warburg syndrome. Identifiers: Orphanet 899, MedGen C0265221, MONDO:0000171.
Muscular dystrophy-dystroglycanopathy (congenital with impaired intellectual development), type B, 1. Also called: Muscular dystrophy-dystroglycanopathy (congenital with intellectual disability), type B1; MUSCULAR DYSTROPHY, CONGENITAL, POMT1-RELATED. Identifiers: MedGen C5436962, MONDO:0013159, OMIM 613155.

Allele frequency attached by ClinVar (database versions not stated): TOPMed 0.00003; gnomAD exomes 0.00001 and 0.00004; gnomAD 0.00001; ExAC 0.00002.
gnomAD v4.1: 17 of 1,613,946 alleles (0.0011%); highest among the groups gnomAD compares: Admixed American, 0.013%; no homozygotes.

Submissions (2):

Labcorp Genetics (formerly Invitae), Labcorp
Classification: Uncertain significance for Muscular dystrophy-dystroglycanopathy (congenital with impaired intellectual development), type B, 1; Walker-Warburg congenital muscular dystrophy; Autosomal recessive limb-girdle muscular dystrophy type 2K. Last evaluated: 2024-11-27. Review status: criteria provided, single submitter. Criteria: Invitae Variant Classification Sherloc (09022015). Collection method: clinical testing. Allele origin: germline.
Comment: This sequence change replaces arginine, which is basic and polar, with cysteine, which is neutral and slightly polar, at codon 635 of the POMT1 protein (p.Arg635Cys). This variant is present in population databases (rs759135168, gnomAD 0.03%). This variant has not been reported in the literature in individuals affected with POMT1-related conditions. ClinVar contains an entry for this variant (Variation ID: 546416). Invitae Evidence Modeling of protein sequence and biophysical properties (such as structural, functional, and spatial information, amino acid conservation, physicochemical variation, residue mobility, and thermodynamic stability) indicates that this missense variant is not expected to disrupt POMT1 protein function with a negative predictive value of 80%. In summary, the available evidence is currently insufficient to determine the role of this variant in disease. Therefore, it has been classified as a Variant of Uncertain Significance.

GeneDx
Classification: Uncertain significance. Last evaluated: 2018-05-17. Review status: criteria provided, single submitter. Criteria: GeneDx Variant Classification (06012015). Collection method: clinical testing. Allele origin: germline. Affected: yes.
Comment: The R635C variant has not been published as a pathogenic variant, nor has it been reported as a benign variant to our knowledge. The R635C variant is observed in 5/18,866 (0.03%) alleles from individuals of East Asian background (Lek et al., 2016). This variant is a non-conservative amino acid substitution, which is likely to impact secondary protein structure as these residues differ in polarity, charge, size and/or other properties. In-silico analyses, including protein predictors and evolutionary conservation, support a deleterious effect.

NM_001077365.2(POMT1):c.1837C>T (p.Arg613Cys)

Gene: POMT1 (protein O-mannosyltransferase 1; plus strand). Cytogenetic location: 9q34.13.
Variant type: single nucleotide variant.
Coding change: c.1837C>T on transcript NM_001077365.2 (MANE Select); coding-DNA position 1837, C replaced by T.
Protein change: p.Arg613Cys; replaces arginine 613 with cysteine.
Molecular consequence: missense variant. On other transcripts: non-coding transcript variant (10).
Genome position (GRCh38, 1-based): chr9:131,522,058, C>T. VCF-style: chr9-131522058-C-T. GRCh37 (hg19) VCF-style: chr9-134397445-C-T.
Other names: c.1747C>T, p.Arg583Cys (NM_001353196.2); c.1741C>T, p.Arg581Cys (NM_001353197.2, NM_001353198.2); c.1381C>T, p.Arg461Cys (NM_001353200.2); c.1825C>T, p.Arg609Cys (NM_001374689.1); c.1552C>T, p.Arg518Cys (NM_001353199.2); c.1618C>T, p.Arg540Cys (NM_001374690.1); c.1486C>T, p.Arg496Cys (NM_001374691.1, NM_001374692.1, NM_001374693.1 and 2 more transcripts); c.1447C>T, p.Arg483Cys (NM_001374695.1); and 3 more; short protein forms R635C, R559C, R581C, R496C, R583C, R613C, R461C, R518C.
Identifiers: ClinVar variation 546416 (VCV000546416.7), dbSNP rs759135168, ClinGen allele CA5293866.